The following is an entry in ClinVar:

ClinVar aggregate classification (germline): Conflicting classifications of pathogenicity. Review status: criteria provided, conflicting classifications (1 of 4 stars). 4 submissions from 4 submitters: Uncertain significance (1); Likely benign (3). Last evaluated 2024-11-19.

Conditions:
Cardiomyopathy (CMYO). Also called: Cardiomyopathies. Identifiers: Orphanet 167848, MedGen C0878544, MONDO:0004994, HP:0001638. Inheritance: Various modes of inheritance.

Allele frequency attached by ClinVar (database versions not stated): ExAC 0.00003; gnomAD 0.00001; gnomAD exomes 0.00003 and 0.00002; TOPMed 0.00001.
gnomAD v4.1: 40 of 1,613,674 alleles (0.0025%); highest among the groups gnomAD compares: Admixed American, 0.005%; no homozygotes.

Submissions (4):

Blueprint Genetics
Classification: Likely benign. Last evaluated: 2024-11-19. Review status: criteria provided, single submitter. Criteria: ACMG Guidelines, 2015. Collection method: clinical testing. Allele origin: germline.

Women's Health and Genetics/Laboratory Corporation of America, LabCorp
Classification: Uncertain significance. Last evaluated: 2022-10-09. Review status: criteria provided, single submitter. Criteria: LabCorp Variant Classification Summary - May 2015. Collection method: clinical testing. Allele origin: germline.

CHEO Genetics Diagnostic Laboratory, Children's Hospital of Eastern Ontario
Classification: Likely benign for Cardiomyopathy. Last evaluated: 2022-08-03. Review status: criteria provided, single submitter. Criteria: ACMG Guidelines, 2015. Collection method: clinical testing. Allele origin: germline.

GeneDx
Classification: Likely benign. Last evaluated: 2012-11-06. Review status: criteria provided, single submitter. Criteria: GeneDx Variant Classification (06012015). Collection method: clinical testing. Allele origin: germline. Affected: yes.
Comment: This variant is considered likely benign or benign based on one or more of the following criteria: it is a conservative change, it occurs at a poorly conserved position in the protein, it is predicted to be benign by multiple in silico algorithms, and/or has population frequency not consistent with disease.

NM_001267550.2(TTN):c.16790C>T (p.Ser5597Phe)

Genes: TTN (titin; minus strand), LOC126806431 (CDK7 strongly-dependent group 2 enhancer GRCh37_chr2:179595719-179596918; plus strand). Cytogenetic location: 2q31.2.
Variant type: single nucleotide variant.
Coding change: c.16790C>T on transcript NM_001267550.2 (MANE Select); coding-DNA position 16790, C replaced by T.
Protein change: p.Ser5597Phe; replaces serine 5597 with phenylalanine.
Molecular consequence: missense variant. On other transcripts: intron variant (3).
Genome position (GRCh38, 1-based): chr2:178,732,179, G>A on the plus strand (C>T on the coding strand, the complement: TTN is on the minus strand). VCF-style: chr2-178732179-G-A. GRCh37 (hg19) VCF-style: chr2-179596906-G-A.
Other names: p.S5280F:TCT>TTT; c.13058C>T, p.Ser4353Phe (NM_133378.4); c.13282+5903C>T (NM_003319.4); c.13858+5903C>T (NM_133437.4); c.13657+5903C>T (NM_133432.3); c.15839C>T, p.Ser5280Phe (NM_001256850.1); short protein forms S5280F, S5597F, S4353F.
Identifiers: ClinVar variation 202350 (VCV000202350.7), dbSNP rs754116386, ClinGen allele CA309174.